The following is an entry in ClinVar:

ClinVar aggregate classification (germline): Conflicting classifications of pathogenicity. Review status: criteria provided, conflicting classifications (1 of 4 stars). 2 submissions from 2 submitters: Likely pathogenic (1); Uncertain significance (1). Last evaluated 2025-04-16.

Submissions (2):

Labcorp Genetics (formerly Invitae), Labcorp
Classification: Likely pathogenic. Last evaluated: 2025-04-16. Review status: criteria provided, single submitter. Criteria: Invitae Variant Classification Sherloc (09022015). Collection method: clinical testing. Allele origin: germline.
Comment: This sequence change replaces tyrosine, which is neutral and polar, with cysteine, which is neutral and slightly polar, at codon 128 of the TRMU protein (p.Tyr128Cys). This variant is not present in population databases (gnomAD no frequency). This missense change has been observed in individual(s) with infantile liver failure (PMID: 31160058). In at least one individual the data is consistent with being in trans (on the opposite chromosome) from a pathogenic variant. ClinVar contains an entry for this variant (Variation ID: 3366347). Invitae Evidence Modeling of protein sequence and biophysical properties (such as structural, functional, and spatial information, amino acid conservation, physicochemical variation, residue mobility, and thermodynamic stability) indicates that this missense variant is expected to disrupt TRMU protein function with a positive predictive value of 95%. In summary, the currently available evidence indicates that the variant is pathogenic, but additional data are needed to prove that conclusively. Therefore, this variant has been classified as Likely Pathogenic.

Women's Health and Genetics/Laboratory Corporation of America, LabCorp
Classification: Uncertain significance. Last evaluated: 2024-08-09. Review status: criteria provided, single submitter. Criteria: LabCorp Variant Classification Summary - May 2015. Collection method: clinical testing. Allele origin: germline.
Comment: Variant summary: TRMU c.383A>G (p.Tyr128Cys) results in a non-conservative amino acid change in the encoded protein sequence. Five of five in-silico tools predict a damaging effect of the variant on protein function. The variant was absent in 251480 control chromosomes. The available data on variant occurrences in the general population are insufficient to allow any conclusion about variant significance. c.383A>G has been reported in the literature in at least one compound heterozygous individual affected with Liver Failure Acute Infantile, Transient (e.g., Nicastro_2019). These data do not allow any conclusion about variant significance. To our knowledge, no experimental evidence demonstrating an impact on protein function has been reported. The following publication has been ascertained in the context of this evaluation (PMID: 31160058). No submitters have cited clinical-significance assessments for this variant to ClinVar. Based on the evidence outlined above, the variant was classified as uncertain significance.

Literature cited by the submitters: PubMed 31160058 (cited by Labcorp Genetics (formerly Invitae), Labcorp and Women's Health and Genetics/Laboratory Corporation of America, LabCorp).

NM_018006.5(TRMU):c.383A>G (p.Tyr128Cys)

Gene: TRMU (tRNA mitochondrial 2-thiouridylase; plus strand). Cytogenetic location: 22q13.31.
Variant type: single nucleotide variant.
Coding change: c.383A>G on transcript NM_018006.5 (MANE Select); coding-DNA position 383, A replaced by G.
Protein change: p.Tyr128Cys; replaces tyrosine 128 with cysteine.
Molecular consequence: missense variant. On other transcripts: non-coding transcript variant (2).
Genome position (GRCh38, 1-based): chr22:46,346,449, A>G. VCF-style: chr22-46346449-A-G. GRCh37 (hg19) VCF-style: chr22-46742346-A-G.
Other names: c.41A>G, p.Tyr14Cys (NM_001282782.2); c.22A>G, p.Met8Val (NM_001282783.2, NM_001282784.2); c.383A>G, p.Tyr128Cys (NM_001282785.2); short protein forms M8V, Y128C, Y14C.
Identifiers: ClinVar variation 3366347 (VCV003366347.2).